The following is an entry in ClinVar:

NM_001377.3(DYNC2H1):c.9870G>A (p.Trp3290Ter)

Gene: DYNC2H1 (dynein cytoplasmic 2 heavy chain 1; plus strand). Cytogenetic location: 11q22.3.
Variant type: single nucleotide variant.
Coding change: c.9870G>A on transcript NM_001377.3 (MANE Select); coding-DNA position 9870, G replaced by A.
Protein change: p.Trp3290Ter; replaces tryptophan 3290 with a stop codon.
Molecular consequence: nonsense.
Genome position (GRCh38, 1-based): chr11:103,243,743, G>A. VCF-style: chr11-103243743-G-A. GRCh37 (hg19) VCF-style: chr11-103114472-G-A.
Other names: c.9891G>A, p.Trp3297Ter (NM_001080463.2); short protein forms W3297*, W3290*.
Identifiers: ClinVar variation 3017935 (VCV003017935.4), dbSNP rs1445220590, ClinGen allele CA382245316.

ClinVar aggregate classification (germline): Pathogenic/Likely pathogenic. Review status: criteria provided, multiple submitters, no conflicts (2 of 4 stars). 2 submissions from 2 submitters: Pathogenic (1); Likely pathogenic (1). Last evaluated 2024-05-13.

Conditions:
Asphyxiating thoracic dystrophy 3. Also called: Saldino-Noonan Syndrome; SHORT-RIB THORACIC DYSPLASIA 3 WITH OR WITHOUT POLYDACTYLY; POLYDACTYLY WITH NEONATAL CHONDRODYSTROPHY, TYPE I; SHORT-RIB THORACIC DYSPLASIA 3/6 WITH POLYDACTYLY, DIGENIC; Short rib polydactyly syndrome 2B. Identifiers: Orphanet 474, Orphanet 93269, Orphanet 93270, Orphanet 93271, MedGen C0036069, MONDO:0013127, OMIM 613091.
Jeune thoracic dystrophy. Also called: Jeune syndrome; Infantile thoracic dystrophy; Thoracic pelvic phalangeal dystrophy; Jeune's syndrome; Chondroectodermal dysplasia-like syndrome; Short-rib thoracic dysplasia. Identifiers: Orphanet 474, MedGen C0265275, MONDO:0018770.

Allele frequency attached by ClinVar (database versions not stated): gnomAD 0.00001; gnomAD exomes 0.00002; 1000 Genomes Project 30x 0.00031.
gnomAD v4.1: 27 of 1,606,410 alleles (0.0017%); highest among the groups gnomAD compares: Non-Finnish European, 0.0023%; no homozygotes.

Submissions (2):

Fulgent Genetics
Classification: Likely pathogenic for Asphyxiating thoracic dystrophy 3. Last evaluated: 2024-05-13. Review status: criteria provided, single submitter. Criteria: ACMG Guidelines, 2015. Collection method: clinical testing. Allele origin: germline.

Labcorp Genetics (formerly Invitae), Labcorp
Classification: Pathogenic for Jeune thoracic dystrophy. Last evaluated: 2023-10-13. Review status: criteria provided, single submitter. Criteria: Invitae Variant Classification Sherloc (09022015). Collection method: clinical testing. Allele origin: germline.
Comment: This sequence change creates a premature translational stop signal (p.Trp3297*) in the DYNC2H1 gene. It is expected to result in an absent or disrupted protein product. Loss-of-function variants in DYNC2H1 are known to be pathogenic (PMID: 23339108, 32753734, 33755199). This variant is not present in population databases (gnomAD no frequency). This variant has not been reported in the literature in individuals affected with DYNC2H1-related conditions. For these reasons, this variant has been classified as Pathogenic.

Literature cited by the submitters: PubMed 23339108 (cited by Labcorp Genetics (formerly Invitae), Labcorp); PubMed 32753734 (cited by Labcorp Genetics (formerly Invitae), Labcorp); PubMed 33755199 (cited by Labcorp Genetics (formerly Invitae), Labcorp).